The following is an entry in ClinVar:

ClinVar aggregate classification (germline): Pathogenic. Review status: reviewed by expert panel (3 of 4 stars). 3 submissions from 3 submitters: Pathogenic (1). 2 of the submissions do not count toward it. Last evaluated 2021-03-26.

Conditions:
Angelman syndrome (AS). Also called: HAPPY PUPPET SYNDROME. Identifiers: Orphanet 72, MedGen C0162635, MONDO:0007113, OMIM 105830. Disease mechanism: loss of function. Inheritance: AS is caused by disruption of maternally imprinted UBE3A located within the 15q11.2-q13 Angelman syndrome/Prader-Willi syndrome (AS/PWS) region., imprinting disorder.

Submissions (3):

ClinGen Rett and Angelman-like Disorders Variant Curation Expert Panel
Classification: Pathogenic for Angelman syndrome. Last evaluated: 2021-03-26. Review status: reviewed by expert panel. Criteria: ClinGen RettAS ACMG Specifications V1. Collection method: curation. Allele origin: germline. Inheritance: Autosomal dominant inheritance.
Comment: The variant has been reported to segregate in at least five informative meioses (PMID 25212744, internal database) (PP1_Strong). A pathogenic missense variant (p.Thr106Pro) has been previously identified within this codon which indicates that this residue is critical to the function of the protein (PMID 15054837) (PM5). Protein expression analysis in transfected cell lines has shown that this variant reduces protein function (PMID 26255772) PS3_Supporting). The p.Thr106Lys variant has been observed in at least 1 other individual with Angelman syndrome (PMID 25212744) (PS4_Supporting). The p.Thr106Lys variant in UBE3A is absent from gnomAD (PM2_Supporting). Computational prediction analysis tools suggests a deleterious impact; however, this information does not predict clinical significance on its own (PP3). In summary, the p.Thr106Lys variant in UBE3A is classified as pathogenic for Angelman syndrome based on the ACMG/AMP criteria (PP1_strong, PM5, PS3_supporting, PS4_supporting, PM2_supporting, PP3).

Genetic Services Laboratory, University of Chicago
Classification: Pathogenic for Angelman syndrome. Last evaluated: 2013-02-08. Review status: criteria provided, single submitter. Criteria: ACMG Guidelines, 2007. Collection method: clinical testing. Allele origin: germline. Inheritance: Autosomal dominant inheritance. Affected: yes. Not counted in ClinVar's aggregate classification.

Baylor Genetics
Classification: Likely pathogenic for Angelman Syndrome. Last evaluated: 2014-02-14. Review status: no assertion criteria provided. Collection method: clinical testing. Allele origin: maternal. Affected: yes. Observed: 1 variant allele. Study: UBE3A Mutation Study. Not counted in ClinVar's aggregate classification.
Comment: Data collected from clinical UBE3A sequence analysis results

Literature cited by the submitters: PubMed 26255772 (cited by ClinGen Rett and Angelman-like Disorders Variant Curation Expert Panel); PubMed 25212744 (cited by ClinGen Rett and Angelman-like Disorders Variant Curation Expert Panel and Baylor Genetics).

NM_130839.5(UBE3A):c.377C>A (p.Thr126Lys)

Genes: SNHG14 (small nucleolar RNA host gene 14; plus strand), UBE3A (ubiquitin protein ligase E3A; minus strand). Cytogenetic location: 15q11.2.
Variant type: single nucleotide variant.
Coding change: c.377C>A on transcript NM_130839.5 (MANE Select); coding-DNA position 377, C replaced by A.
Protein change: p.Thr126Lys; replaces threonine 126 with lysine.
Molecular consequence: missense variant. On other transcripts: non-coding transcript variant (1), intron variant (2).
Genome position (GRCh38, 1-based): chr15:25,371,797, G>T on the plus strand (C>A on the coding strand, the complement: UBE3A is on the minus strand). VCF-style: chr15-25371797-G-T. GRCh37 (hg19) VCF-style: chr15-25616944-G-T.
Other names: c.386C>A, p.Thr129Lys (NM_000462.5); c.377C>A, p.Thr126Lys (NM_001354505.1, NM_001354538.2, NM_001354545.2); c.317C>A, p.Thr106Lys (NM_001354506.2, NM_001354507.2, NM_001354508.2 and 17 more transcripts); c.200C>A, p.Thr67Lys (NM_001354546.2); c.301+3668C>A (NM_001354551.2); c.361+3668C>A (NM_001354550.2); short protein forms T106K, T129K, T126K, T67K.
Identifiers: ClinVar variation 155994 (VCV000155994.7), dbSNP rs587781241, ClinGen allele CA333390.
Genomic context (GRCh38, chr15:25,371,797, plus strand): 5'-AAAGGGGAATAATCCTCTCTTTCTCTACATAATTCAAGAATTTCATATACCTTCTCTTCT[G>T]TTAAGTAAGTCACATCTAGAAAATCAGAGGAAAAAAGAGAACATTTATTTTCATAATATG-3'
Protein context (NP_570854.1, residues 116-136): RIDFKDVTYL[Thr126Lys]EEKVYEILEL